The following is an entry in ClinVar:

ClinVar aggregate classification (germline): Uncertain significance (1 of 4 stars; one submission).

Conditions:
Intellectual developmental disorder, autosomal recessive 12. Also called: Intellectual disability, autosomal recessive 12. Identifiers: Orphanet 88616, MedGen C1970200, MONDO:0012612, OMIM 611090.

Allele frequency attached by ClinVar (database versions not stated): TOPMed 0.00001.
gnomAD v4.1: 16 of 1,614,018 alleles (0.00099%); highest among the groups gnomAD compares: African/African-American, 0.0027%; no homozygotes.

Submission:

Baylor Genetics
Classification: Uncertain significance for Intellectual developmental disorder, autosomal recessive 12. Last evaluated: 2018-07-11. Review status: criteria provided, single submitter. Criteria: ACMG Guidelines, 2015. Collection method: clinical testing. Allele origin: unknown. Affected: yes.
Comment: This variant was determined to be of uncertain significance according to ACMG Guidelines, 2015 [PMID:25741868].

NM_006279.5(ST3GAL3):c.118+39G>T

Gene: ST3GAL3 (ST3 beta-galactoside alpha-2,3-sialyltransferase 3; plus strand). Cytogenetic location: 1p34.1.
Variant type: single nucleotide variant.
Coding change: c.118+39G>T on transcript NM_006279.5 (MANE Select); 39 bases into the intron after coding-DNA position 118, G replaced by T.
Molecular consequence: intron variant. On other transcripts: missense variant (6).
Genome position (GRCh38, 1-based): chr1:43,736,419, G>T. VCF-style: chr1-43736419-G-T. GRCh37 (hg19) VCF-style: chr1-44202090-G-T.
Other names: c.157G>T, p.Val53Phe (NM_001270463.3, NM_001270465.3, NM_001350619.2 and 3 more transcripts); c.118+39G>T (NM_174968.5, NM_001363573.2, NM_001350620.2 and 11 more transcripts); c.-336+39G>T (NM_001350621.2); short protein forms V53F.
Identifiers: ClinVar variation 1031618 (VCV001031618.1), dbSNP rs766784665, ClinGen allele CA814487.
Genomic context (GRCh38, chr1:43,736,419, plus strand): 5'-CTCCAGTGGGAGGAGGACTCCAGTAAGTATAGTCACTCTAGCTCACCCCAGGAGAAGCCT[G>T]TTGCAGGTCAGTTACTGGTTTTTCGTGTGGCTGCGTCTCATATTCTTCAGAGATGGGCAA-3'